The following is an entry in ClinVar:

NM_001378120.1(MBD5):c.4618A>T (p.Thr1540Ser)

Gene: MBD5 (methyl-CpG binding domain protein 5; plus strand). Cytogenetic location: 2q23.1.
Variant type: single nucleotide variant.
Coding change: c.4618A>T on transcript NM_001378120.1 (MANE Select); coding-DNA position 4618, A replaced by T.
Protein change: p.Thr1540Ser; replaces threonine 1540 with serine.
Molecular consequence: missense variant.
Genome position (GRCh38, 1-based): chr2:148,490,250, A>T. VCF-style: chr2-148490250-A-T. GRCh37 (hg19) VCF-style: chr2-149247819-A-T.
Other names: c.3919A>T, p.Thr1307Ser (NM_018328.5); short protein forms T1307S, T1540S.
Identifiers: ClinVar variation 2839690 (VCV002839690.3), dbSNP rs2470028444, ClinGen allele CA348729726.

ClinVar aggregate classification (germline): Uncertain significance (1 of 4 stars; one submission).

Conditions:
Intellectual developmental disorder, autosomal dominant 1. Also called: MBD5 Haploinsufficiency; Intellectual disability, autosomal dominant 1. Identifiers: Orphanet 228402, MedGen C1969562, MONDO:0007974, OMIM 156200.

Submission:

Labcorp Genetics (formerly Invitae), Labcorp
Classification: Uncertain significance for Intellectual developmental disorder, autosomal dominant 1. Last evaluated: 2023-02-22. Review status: criteria provided, single submitter. Criteria: Invitae Variant Classification Sherloc (09022015). Collection method: clinical testing. Allele origin: germline.
Comment: Experimental studies and prediction algorithms are not available or were not evaluated, and the functional significance of this variant is currently unknown. In summary, the available evidence is currently insufficient to determine the role of this variant in disease. Therefore, it has been classified as a Variant of Uncertain Significance. This variant has not been reported in the literature in individuals affected with MBD5-related conditions. This variant is not present in population databases (gnomAD no frequency). This sequence change replaces threonine, which is neutral and polar, with serine, which is neutral and polar, at codon 1307 of the MBD5 protein (p.Thr1307Ser).